The following is an entry in ClinVar:

NM_021160.3(ABHD16A):c.573del (p.Thr192fs)

Gene: ABHD16A (abhydrolase domain containing 16A, phospholipase; minus strand). Cytogenetic location: 6p21.33.
Variant type: Deletion.
Coding change: c.573del on transcript NM_021160.3 (MANE Select); coding-DNA position 573, one base deleted (G; older notation c.573delG).
Protein change: p.Thr192fs; shifts the reading frame from threonine 192.
Molecular consequence: frameshift variant. On other transcripts: non-coding transcript variant (2).
Genome position (GRCh38, 1-based): chr6:31,693,080, C deleted on the plus strand (G on the coding strand, the reverse complement: ABHD16A is on the minus strand); the first of 5 consecutive C bases (chr6:31,693,080-31,693,084); deleting any one gives the same sequence. VCF-style (leftmost placement, unchanged base first): chr6-31693079-TC-T. GRCh37 (hg19) VCF-style: chr6-31660856-TC-T.
Other names: c.474del, p.Thr159fs (NM_001177515.2); short protein forms T159fs, T192fs.
Identifiers: ClinVar variation 1199391 (VCV001199391.1), dbSNP rs2151235621, ClinGen allele CA2499218204.

ClinVar aggregate classification (germline): Uncertain significance (1 of 4 stars; one submission).

Conditions:
Spastic paraplegia. Identifiers: MedGen C0037772, HP:0001258.

Submission:

Care4Rare-SOLVE, CHEO
Classification: Uncertain significance for Spastic paraplegia. Last evaluated: 2021-07-01. Review status: criteria provided, single submitter. Criteria: ACMG Guidelines, 2015. Collection method: research. Allele origin: germline. Affected: yes. Observed: 1 variant allele, 1 compound heterozygote.

Literature cited by the submitters: DOI 10.1016/j.ajhg.2021.09.005.